The following is an entry in ClinVar:

NM_001379110.1(SLC9A6):c.1183G>A (p.Val395Ile)

Gene: SLC9A6 (solute carrier family 9 member A6; plus strand). Cytogenetic location: Xq26.3.
Variant type: single nucleotide variant.
Coding change: c.1183G>A on transcript NM_001379110.1 (MANE Select); coding-DNA position 1183, G replaced by A.
Protein change: p.Val395Ile; replaces valine 395 with isoleucine.
Molecular consequence: missense variant.
Genome position (GRCh38, 1-based): chrX:136,016,747, G>A. VCF-style: chrX-136016747-G-A. GRCh37 (hg19) VCF-style: chrX-135098906-G-A.
Other names: c.1339G>A, p.Val447Ile (NM_001042537.2); c.1183G>A, p.Val395Ile (NM_001177651.2, NM_001400909.1, NM_001400910.1 and 2 more transcripts); c.1087G>A, p.Val363Ile (NM_001330652.2, NM_001400913.1); c.1243G>A, p.Val415Ile (NM_006359.3); short protein forms V447I, V395I, V415I, V363I.
Identifiers: ClinVar variation 2813829 (VCV002813829.3), dbSNP rs1556619321, ClinGen allele CA414753113.
Genomic context (GRCh38, chrX:136,016,747, plus strand): 5'-TCCTACATGGGGCTGACACTGTTCACCTTCCAGAACCATGTCTTTAACCCAACATTTGTA[G>A]TAGGAGCATTTGTATCCTTTATTATGTGTTTTATTTTGAAAATATTTTTAATTGAGATTT-3'
Protein context (NP_001366039.1, residues 385-405): QNHVFNPTFV[Val395Ile]GAFVAIFLGR

ClinVar aggregate classification (germline): Uncertain significance (1 of 4 stars; one submission).

Conditions:
Christianson syndrome (MRXSCH). Also called: SLC9A6-Related Syndromic Mental Retardation; X-linked mental retardation, syndromic, Christianson type; INTELLECTUAL DEVELOPMENTAL DISORDER, X-LINKED, SYNDROMIC, CHRISTIANSON TYPE. Identifiers: Orphanet 85278, MedGen C2678194, MONDO:0010278, OMIM 300243.

Submission:

Labcorp Genetics (formerly Invitae), Labcorp
Classification: Uncertain significance for Christianson syndrome. Last evaluated: 2022-11-12. Review status: criteria provided, single submitter. Criteria: Invitae Variant Classification Sherloc (09022015). Collection method: clinical testing. Allele origin: germline.
Comment: This sequence change replaces valine, which is neutral and non-polar, with isoleucine, which is neutral and non-polar, at codon 415 of the SLC9A6 protein (p.Val415Ile). The frequency data for this variant in the population databases is considered unreliable, as metrics indicate poor data quality at this position in the gnomAD database. This variant has not been reported in the literature in individuals affected with SLC9A6-related conditions. Advanced modeling of protein sequence and biophysical properties (such as structural, functional, and spatial information, amino acid conservation, physicochemical variation, residue mobility, and thermodynamic stability) performed at Invitae indicates that this missense variant is not expected to disrupt SLC9A6 protein function. In summary, the available evidence is currently insufficient to determine the role of this variant in disease. Therefore, it has been classified as a Variant of Uncertain Significance.